The following is an entry in ClinVar:

NM_000051.4(ATM):c.6701T>C (p.Leu2234Pro)

Genes: ATM (ATM serine/threonine kinase; plus strand), C11orf65 (chromosome 11 open reading frame 65; minus strand). Cytogenetic location: 11q22.3.
Variant type: single nucleotide variant.
Coding change: c.6701T>C on transcript NM_000051.4 (MANE Select); coding-DNA position 6701, T replaced by C.
Protein change: p.Leu2234Pro; replaces leucine 2234 with proline.
Molecular consequence: missense variant. On other transcripts: intron variant (2).
Genome position (GRCh38, 1-based): chr11:108,325,438, T>C. VCF-style: chr11-108325438-T-C. GRCh37 (hg19) VCF-style: chr11-108196165-T-C.
Other names: c.6701T>C, p.Leu2234Pro (NM_001351834.2); c.641-16367A>G (NM_001330368.2); c.*38+9782A>G (NM_001351110.2); short protein forms L2234P.
Identifiers: ClinVar variation 1062164 (VCV001062164.11), dbSNP rs1158183992, ClinGen allele CA382554942.
Genomic context (GRCh38, chr11:108,325,438, plus strand): 5'-ACAGTGATTTTAGTTTTCAGGAGCCTATCATGGCTCTACGCACAGTCATTTTGGAGATCC[T>C]GATGGAAAAGGAAATGGACAACTCACAAAGAGAATGTATTAAGGACATTCTCACCAAACA-3'
Protein context (NP_000042.3, residues 2224-2244): MALRTVILEI[Leu2234Pro]MEKEMDNSQR

ClinVar aggregate classification (germline): Uncertain significance. Review status: criteria provided, multiple submitters, no conflicts (2 of 4 stars). 2 submissions from 2 submitters: Uncertain significance (2). Last evaluated 2020-10-21.

Conditions:
Hereditary cancer-predisposing syndrome. Also called: Neoplastic Syndromes, Hereditary; Tumor predisposition; Hereditary Cancer Syndrome; Hereditary neoplastic syndrome. Identifiers: Orphanet 140162, MedGen C0027672, MeSH D009386, MONDO:0015356.
Ataxia-telangiectasia syndrome (AT). Also called: Ataxia telangiectasia (A-T); ATAXIA-TELANGIECTASIA, COMPLEMENTATION GROUP A; ATAXIA-TELANGIECTASIA, FRESNO VARIANT; Ataxia-telangiectasia; Ataxia-telangiectasia, complementation group E; LOUIS-BAR SYNDROME. Identifiers: Orphanet 100, MedGen C0004135, MONDO:0008840, OMIM 208900.

Submissions (2):

Labcorp Genetics (formerly Invitae), Labcorp
Classification: Uncertain significance for Ataxia-telangiectasia syndrome. Last evaluated: 2020-10-21. Review status: criteria provided, single submitter. Criteria: Invitae Variant Classification Sherloc (09022015). Collection method: clinical testing. Allele origin: germline.
Comment: In summary, the available evidence is currently insufficient to determine the role of this variant in disease. Therefore, it has been classified as a Variant of Uncertain Significance. Advanced modeling of protein sequence and biophysical properties (such as structural, functional, and spatial information, amino acid conservation, physicochemical variation, residue mobility, and thermodynamic stability) performed at Invitae indicates that this missense variant is not expected to disrupt ATM protein function. This variant has not been reported in the literature in individuals with ATM-related conditions. This variant is not present in population databases (ExAC no frequency). This sequence change replaces leucine with proline at codon 2234 of the ATM protein (p.Leu2234Pro). The leucine residue is moderately conserved and there is a moderate physicochemical difference between leucine and proline.

Ambry Genetics
Classification: Uncertain significance for Hereditary cancer-predisposing syndrome. Last evaluated: 2014-10-19. Review status: criteria provided, single submitter. Criteria: Ambry Variant Classification Scheme 2023. Collection method: clinical testing. Allele origin: germline.
Comment: The p.L2234P variant (also known as c.6701T>C), located in coding exon 45 of the ATM gene, results from a T to C substitution at nucleotide position 6701. The leucine at codon 2234 is replaced by proline, an amino acid with similar properties. This variant was not reported in population based cohorts in the following databases: Database of Single Nucleotide Polymorphisms (dbSNP), NHLBI Exome Sequencing Project (ESP), and 1000 Genomes Project. In the ESP, this variant was not observed in 6499 samples (12998 alleles) with coverage at this position. To date, this alteration has been detected with an allele frequency of approximately 0.004% (greater than 22000 alleles tested) in our clinical cohort. This amino acid position is highly conserved in available vertebrate species. In addition, this alteration is predicted to be deleterious by in silico analysis. Since supporting evidence is limited at this time, the clinical significance of p.L2234P remains unclear.